The following is an entry in ClinVar:

NM_002529.4(NTRK1):c.293T>C (p.Ile98Thr)

Gene: NTRK1 (neurotrophic receptor tyrosine kinase 1; plus strand). Cytogenetic location: 1q23.1.
Variant type: single nucleotide variant.
Coding change: c.293T>C on transcript NM_002529.4 (MANE Select); coding-DNA position 293, T replaced by C.
Protein change: p.Ile98Thr; replaces isoleucine 98 with threonine.
Molecular consequence: missense variant.
Genome position (GRCh38, 1-based): chr1:156,864,733, T>C. VCF-style: chr1-156864733-T-C. GRCh37 (hg19) VCF-style: chr1-156834525-T-C.
Other names: c.203T>C, p.Ile68Thr (NM_001007792.1); c.293T>C, p.Ile98Thr (NM_001012331.2); short protein forms I68T, I98T.
Identifiers: ClinVar variation 4852842 (VCV004852842.1).

ClinVar aggregate classification (germline): Likely pathogenic (1 of 4 stars; one submission).

Conditions:
Hereditary insensitivity to pain with anhidrosis (CIPA). Also called: INSENSITIVITY TO PAIN, CONGENITAL, WITH ANHIDROSIS; FAMILIAL DYSAUTONOMIA, TYPE II; NEUROPATHY, CONGENITAL SENSORY, WITH ANHIDROSIS; HSAN Type IV; hereditary sensory and autonomic neuropathy type 4; NTRK1 Congenital Insensitivity to Pain with Anhidrosis. Identifiers: Orphanet 642, MedGen C0020074, MONDO:0009746, OMIM 256800.

Submission:

Medical Molecular Genetics, National Research Centre
Classification: Likely pathogenic for Hereditary insensitivity to pain with anhidrosis. Last evaluated: 2026-04-28. Review status: criteria provided, single submitter. Criteria: ACMG Guidelines, 2015. Collection method: research. Allele origin: inherited. Affected: yes.
Comment: The p.(Ile98Thr) variant results in the substitution of isoleucine by threonine at codon 98 of the NTRK1 protein. This amino acid change may affect protein structure and receptor function.